The following is an entry in ClinVar:

ClinVar aggregate classification (germline): Uncertain significance (1 of 4 stars; one submission).

Conditions:
Myofibrillar myopathy 5. Also called: Filaminopathy (type); FILAMINOPATHY, AUTOSOMAL DOMINANT. Identifiers: Orphanet 171445, MedGen C1836050, MONDO:0012289, OMIM 609524.
Distal myopathy with posterior leg and anterior hand involvement. Also called: WILLIAMS DISTAL MYOPATHY. Identifiers: Orphanet 63273, MedGen C3279722, MONDO:0013550, OMIM 614065.
Hypertrophic cardiomyopathy 26. Also called: Cardiomyopathy, familial hypertrophic, 26. Identifiers: Orphanet 75249, MedGen C4310749, MONDO:0014883, OMIM 617047.

Submission:

Labcorp Genetics (formerly Invitae), Labcorp
Classification: Uncertain significance for Distal myopathy with posterior leg and anterior hand involvement; Myofibrillar myopathy 5; Hypertrophic cardiomyopathy 26. Last evaluated: 2021-08-27. Review status: criteria provided, single submitter. Criteria: Invitae Variant Classification Sherloc (09022015). Collection method: clinical testing. Allele origin: germline.
Comment: Algorithms developed to predict the effect of missense changes on protein structure and function are either unavailable or do not agree on the potential impact of this missense change (SIFT: "Deleterious"; PolyPhen-2: "Probably Damaging"; Align-GVGD: "Class C0"). This variant has not been reported in the literature in individuals affected with FLNC-related conditions. This variant is not present in population databases (ExAC no frequency). This sequence change replaces isoleucine with phenylalanine at codon 178 of the FLNC protein (p.Ile178Phe). The isoleucine residue is highly conserved and there is a small physicochemical difference between isoleucine and phenylalanine. In summary, the available evidence is currently insufficient to determine the role of this variant in disease. Therefore, it has been classified as a Variant of Uncertain Significance.

NM_001458.5(FLNC):c.532A>T (p.Ile178Phe)

Gene: FLNC (filamin C; plus strand). Cytogenetic location: 7q32.1.
Variant type: single nucleotide variant.
Coding change: c.532A>T on transcript NM_001458.5 (MANE Select); coding-DNA position 532, A replaced by T.
Protein change: p.Ile178Phe; replaces isoleucine 178 with phenylalanine.
Molecular consequence: missense variant.
Genome position (GRCh38, 1-based): chr7:128,835,505, A>T. VCF-style: chr7-128835505-A-T. GRCh37 (hg19) VCF-style: chr7-128475559-A-T.
Other names: c.532A>T, p.Ile178Phe (NM_001127487.2); short protein forms I178F.
Identifiers: ClinVar variation 1967219 (VCV001967219.5), dbSNP rs2536614757, ClinGen allele CA369219558.